The following is an entry in ClinVar:

NM_005732.4(RAD50):c.3861C>T (p.Tyr1287=)

Genes: RAD50 (RAD50 double strand break repair protein; plus strand), TH2LCRR (T helper type 2 locus control region associated RNA; minus strand). Cytogenetic location: 5q31.1.
Variant type: single nucleotide variant.
Coding change: c.3861C>T on transcript NM_005732.4 (MANE Select); coding-DNA position 3861, C replaced by T.
Protein change: p.Tyr1287=; no amino-acid change (tyrosine 1287 retained).
Molecular consequence: synonymous variant.
Genome position (GRCh38, 1-based): chr5:132,642,286, C>T. VCF-style: chr5-132642286-C-T. GRCh37 (hg19) VCF-style: chr5-131977978-C-T.
Other names: p.Y1287Y:TAC>TAT.
Identifiers: ClinVar variation 182823 (VCV000182823.19), dbSNP rs368356436, ClinGen allele CA333750.
Genomic context (GRCh38, chr5:132,642,286, plus strand): 5'-CACTCATGATGAAGATTTTGTGGAGCTTTTAGGACGTTCTGAATATGTGGAGAAATTCTA[C>T]AGGATTAAAAAGAACATCGATCAGTGCTCAGAGATTGTGAAATGCAGTGTTAGCTCCCTG-3'
Protein context (NP_005723.2, residues 1277-1297): LGRSEYVEKF[Tyr1287=]RIKKNIDQCS

ClinVar aggregate classification (germline): Benign/Likely benign. Review status: criteria provided, multiple submitters, no conflicts (2 of 4 stars). 6 submissions from 6 submitters: Benign (2); Likely benign (4). Last evaluated 2026-01-10.

Conditions:
Hereditary cancer-predisposing syndrome. Also called: Tumor predisposition; Neoplastic Syndromes, Hereditary; Hereditary neoplastic syndrome; Hereditary Cancer Syndrome. Identifiers: Orphanet 140162, MedGen C0027672, MeSH D009386, MONDO:0015356.

Allele frequency attached by ClinVar (database versions not stated): ESP Exome Variant Server 0.00015; gnomAD 0.00018 and 0.00019; gnomAD exomes 0.00019 and 0.00024; ExAC 0.00024; TOPMed 0.00025.
gnomAD v4.1: 367 of 1,613,774 alleles (0.023%); highest among the groups gnomAD compares: Non-Finnish European, 0.029%; no homozygotes.

Submissions (6):

Labcorp Genetics (formerly Invitae), Labcorp
Classification: Likely benign for Hereditary cancer-predisposing syndrome. Last evaluated: 2026-01-10. Review status: criteria provided, single submitter. Criteria: Invitae Variant Classification Sherloc (09022015). Collection method: clinical testing. Allele origin: germline.

Quest Diagnostics Nichols Institute San Juan Capistrano
Classification: Likely benign. Last evaluated: 2025-10-01. Review status: criteria provided, single submitter. Criteria: Quest Diagnostics criteria. Collection method: clinical testing. Allele origin: unknown.

Blueprint Genetics
Classification: Likely benign. Last evaluated: 2024-08-31. Review status: criteria provided, single submitter. Criteria: ACMG Guidelines, 2015. Collection method: clinical testing. Allele origin: germline.

Women's Health and Genetics/Laboratory Corporation of America, LabCorp
Classification: Benign. Last evaluated: 2023-11-14. Review status: criteria provided, single submitter. Criteria: LabCorp Variant Classification Summary - May 2015. Collection method: clinical testing. Allele origin: germline.

Ambry Genetics
Classification: Likely benign for Hereditary cancer-predisposing syndrome. Last evaluated: 2014-07-31. Review status: criteria provided, single submitter. Criteria: Ambry Variant Classification Scheme 2023. Collection method: clinical testing. Allele origin: germline.

GeneDx
Classification: Benign. Last evaluated: 2014-02-10. Review status: criteria provided, single submitter. Criteria: GeneDx Variant Classification (06012015). Collection method: clinical testing. Allele origin: germline. Affected: yes.
Comment: This variant is considered likely benign or benign based on one or more of the following criteria: it is a conservative change, it occurs at a poorly conserved position in the protein, it is predicted to be benign by multiple in silico algorithms, and/or has population frequency not consistent with disease.